The following is an entry in ClinVar:

NM_001378418.1(TCF20):c.343G>A (p.Val115Met)

Gene: TCF20 (transcription factor 20; minus strand). Cytogenetic location: 22q13.2.
Variant type: single nucleotide variant.
Coding change: c.343G>A on transcript NM_001378418.1 (MANE Select); coding-DNA position 343, G replaced by A.
Protein change: p.Val115Met; replaces valine 115 with methionine.
Molecular consequence: missense variant.
Genome position (GRCh38, 1-based): chr22:42,214,963, C>T on the plus strand (G>A on the coding strand, the complement: TCF20 is on the minus strand). VCF-style: chr22-42214963-C-T. GRCh37 (hg19) VCF-style: chr22-42610969-C-T.
Other names: c.343G>A, p.Val115Met (NM_005650.4, NM_181492.3); short protein forms V115M.
Identifiers: ClinVar variation 3903012 (VCV003903012.1).

ClinVar aggregate classification (germline): Uncertain significance (1 of 4 stars; one submission).

Submission:

GeneDx
Classification: Uncertain significance. Last evaluated: 2024-12-11. Review status: criteria provided, single submitter. Criteria: GeneDx Variant Classification Process June 2021. Collection method: clinical testing. Allele origin: germline. Affected: yes.
Comment: Not observed at significant frequency in large population cohorts (gnomAD); In silico analysis indicates that this missense variant does not alter protein structure/function; Has not been previously published as pathogenic or benign to our knowledge